The following is an entry in ClinVar:

NM_001130987.2(DYSF):c.5758G>T (p.Glu1920Ter)

Gene: DYSF (dysferlin; plus strand). Cytogenetic location: 2p13.2.
Variant type: single nucleotide variant.
Coding change: c.5758G>T on transcript NM_001130987.2 (MANE Select); coding-DNA position 5758, G replaced by T.
Protein change: p.Glu1920Ter; replaces glutamic acid 1920 with a stop codon.
Molecular consequence: nonsense.
Genome position (GRCh38, 1-based): chr2:71,669,720, G>T. VCF-style: chr2-71669720-G-T. GRCh37 (hg19) VCF-style: chr2-71896850-G-T.
Other names: c.5644G>T, p.Glu1882Ter (NM_001130455.2); c.5599G>T, p.Glu1867Ter (NM_001130976.2); c.5662G>T, p.Glu1888Ter (NM_001130977.2); c.5704G>T, p.Glu1902Ter (NM_001130978.2); c.5734G>T, p.Glu1912Ter (NM_001130979.2); c.5692G>T, p.Glu1898Ter (NM_001130980.2); c.5755G>T, p.Glu1919Ter (NM_001130981.2); c.5737G>T, p.Glu1913Ter (NM_001130982.2); and 5 more; short protein forms E1867*, E1868*, E1881*, E1882*, E1888*, E1889*, E1898*, E1899*.
Identifiers: ClinVar variation 1725889 (VCV001725889.3), dbSNP rs2546579917, ClinGen allele CA347224057.

ClinVar aggregate classification (germline): Likely pathogenic (1 of 4 stars; one submission).

Conditions:
Autosomal recessive limb-girdle muscular dystrophy. Identifiers: Orphanet 102015, MedGen C2931907, MONDO:0015152.

Submission:

Myriad Genetics, Inc.
Classification: Likely pathogenic for Autosomal recessive limb-girdle muscular dystrophy. Last evaluated: 2022-04-05. Review status: criteria provided, single submitter. Criteria: Myriad Autosomal Dominant, Autosomal Recessive and X-Linked Classification Criteria (2023). Collection method: clinical testing. Allele origin: unknown.
Comment: NM_003494.3(DYSF):c.5641G>T(E1881*) is expected to be pathogenic in the context of dysferlinopathy. This variant is predicted to lead to an abnormal or absent protein product due to the creation of a premature termination codon in DYSF, a gene where loss-of-function variants are known to be pathogenic. Please note: this variant was assessed in the context of healthy population screening.